The following is an entry in ClinVar:

ClinVar aggregate classification (germline): Uncertain significance. Review status: criteria provided, multiple submitters, no conflicts (2 of 4 stars). 2 submissions from 2 submitters: Uncertain significance (2). Last evaluated 2025-11-05.

Conditions:
Inborn genetic diseases. Identifiers: MedGen C0950123, MeSH D030342.
Short-rib thoracic dysplasia 8 with or without polydactyly (SRTD8). Also called: SHORT-RIB THORACIC DYSPLASIA 8 WITH POLYDACTYLY. Identifiers: Orphanet 93271, MedGen C3809691, MONDO:0014214, OMIM 615503.

Allele frequency attached by ClinVar (database versions not stated): TOPMed 0.00002; ExAC 0.00002; gnomAD exomes 0.00004; gnomAD 0.00003.
gnomAD v4.1: 60 of 1,613,868 alleles (0.0037%); highest among the groups gnomAD compares: Non-Finnish European, 0.0047%; no homozygotes.

Submissions (2):

Ambry Genetics
Classification: Uncertain significance for Inborn genetic diseases. Last evaluated: 2025-11-05. Review status: criteria provided, single submitter. Criteria: Ambry Variant Classification Scheme 2023. Collection method: clinical testing. Allele origin: germline.

Labcorp Genetics (formerly Invitae), Labcorp
Classification: Uncertain significance for Short-rib thoracic dysplasia 8 with or without polydactyly. Last evaluated: 2021-11-26. Review status: criteria provided, single submitter. Criteria: Invitae Variant Classification Sherloc (09022015). Collection method: clinical testing. Allele origin: germline.
Comment: This sequence change replaces arginine, which is basic and polar, with glycine, which is neutral and non-polar, at codon 319 of the WDR60 protein (p.Arg319Gly). This variant is present in population databases (rs754416685, gnomAD 0.004%). This variant has not been reported in the literature in individuals affected with WDR60-related conditions. Algorithms developed to predict the effect of missense changes on protein structure and function (SIFT, PolyPhen-2, Align-GVGD) all suggest that this variant is likely to be tolerated. In summary, the available evidence is currently insufficient to determine the role of this variant in disease. Therefore, it has been classified as a Variant of Uncertain Significance.

NM_018051.5(DYNC2I1):c.955A>G (p.Arg319Gly)

Gene: DYNC2I1 (dynein 2 intermediate chain 1; plus strand). Cytogenetic location: 7q36.3.
Variant type: single nucleotide variant.
Coding change: c.955A>G on transcript NM_018051.5 (MANE Select); coding-DNA position 955, A replaced by G.
Protein change: p.Arg319Gly; replaces arginine 319 with glycine.
Molecular consequence: missense variant. On other transcripts: 5 prime UTR variant (3).
Genome position (GRCh38, 1-based): chr7:158,887,040, A>G. VCF-style: chr7-158887040-A-G. GRCh37 (hg19) VCF-style: chr7-158679731-A-G.
Other names: c.817A>G, p.Arg273Gly (NM_001350914.2); c.955A>G (NM_018051.4); c.382A>G, p.Arg128Gly (NM_001350915.2); c.-404A>G (NM_001350916.2); c.-412A>G (NM_001350917.2); c.-531A>G (NM_001350918.2); short protein forms R273G, R128G, R319G.
Identifiers: ClinVar variation 2086018 (VCV002086018.4), dbSNP rs754416685, ClinGen allele CA4594467.
Genomic context (GRCh38, chr7:158,887,040, plus strand): 5'-ATTTAAAGTAAGTTTTGATTTTGATTATGTTTGCTTTCCAGGCATGCTGAGAATTTAGTA[A>G]GGAATCATGGAAAAGATAAAGATTCAAGACGGAAGGTAAGGCAGTCTCCACTGAGAATAC-3'
Protein context (NP_060521.4, residues 309-329): TSSQHAENLV[Arg319Gly]NHGKDKDSRR